The following is an entry in ClinVar:

ClinVar aggregate classification (germline): Pathogenic (1 of 4 stars; one submission).

Conditions:
USH2A-related disorder. Also called: USH2A-related condition; USH2A-related disorders. Identifiers: MedGen CN239332.

Submission:

Myriad Genetics, Inc.
Classification: Pathogenic for USH2A-related disorder. Last evaluated: 2025-06-09. Review status: criteria provided, single submitter. Criteria: Myriad Autosomal Dominant, Autosomal Recessive and X-Linked Classification Criteria (2023). Collection method: clinical testing. Allele origin: unknown.
Comment: NM_206933.2(USH2A):c.3332T>G(L1111*) is expected to be pathogenic in the context of USH2A-related disorders. This variant is predicted to lead to an abnormal or absent protein product due to the creation of a premature termination codon in USH2A, a gene where loss-of-function variants are known to be pathogenic. Please note: this variant was assessed in the context of healthy population screening.

NM_206933.4(USH2A):c.3332T>G (p.Leu1111Ter)

Genes: USH2A (usherin; minus strand), USH2A-AS1 (USH2A antisense RNA 1; plus strand). Cytogenetic location: 1q41.
Variant type: single nucleotide variant.
Coding change: c.3332T>G on transcript NM_206933.4 (MANE Select); coding-DNA position 3332, T replaced by G.
Protein change: p.Leu1111Ter; replaces leucine 1111 with a stop codon.
Molecular consequence: nonsense.
Genome position (GRCh38, 1-based): chr1:216,200,106, A>C on the plus strand (T>G on the coding strand, the complement: USH2A is on the minus strand). VCF-style: chr1-216200106-A-C. GRCh37 (hg19) VCF-style: chr1-216373448-A-C.
Other names: c.3332T>G, p.Leu1111Ter (NM_007123.6); short protein forms L1111*.
Identifiers: ClinVar variation 5010582 (VCV005010582.1).